The following is an entry in ClinVar:

NM_001033855.3(DCLRE1C):c.1106A>G (p.Tyr369Cys)

Gene: DCLRE1C (DNA cross-link repair 1C; minus strand). Cytogenetic location: 10p13.
Variant type: single nucleotide variant.
Coding change: c.1106A>G on transcript NM_001033855.3 (MANE Select); coding-DNA position 1106, A replaced by G.
Protein change: p.Tyr369Cys; replaces tyrosine 369 with cysteine.
Molecular consequence: missense variant. On other transcripts: non-coding transcript variant (4).
Genome position (GRCh38, 1-based): chr10:14,919,788, T>C on the plus strand (A>G on the coding strand, the complement: DCLRE1C is on the minus strand). VCF-style: chr10-14919788-T-C. GRCh37 (hg19) VCF-style: chr10-14961787-T-C.
Other names: c.746A>G, p.Tyr249Cys (NM_001033857.3, NM_001033858.3, NM_001289077.2 and 2 more transcripts); c.761A>G, p.Tyr254Cys (NM_001289076.2, NM_001289078.2, NM_001350966.2 and 1 more transcripts); c.1106A>G, p.Tyr369Cys (NM_001350965.2); short protein forms Y369C, Y254C, Y249C.
Identifiers: ClinVar variation 847864 (VCV000847864.6), dbSNP rs1836798077, ClinGen allele CA376078289.

ClinVar aggregate classification (germline): Uncertain significance (1 of 4 stars; one submission).

Conditions:
Severe combined immunodeficiency due to DCLRE1C deficiency (RS-SCID). Also called: SCID, AUTOSOMAL RECESSIVE, T CELL-NEGATIVE, B CELL-NEGATIVE, NK CELL-POSITIVE, WITH SENSITIVITY TO IONIZING RADIATION. Identifiers: Orphanet 275, MedGen C1865371, MONDO:0011225, OMIM 602450.

Submission:

Labcorp Genetics (formerly Invitae), Labcorp
Classification: Uncertain significance for Athabaskan severe combined immunodeficiency. Last evaluated: 2021-08-31. Review status: criteria provided, single submitter. Criteria: Invitae Variant Classification Sherloc (09022015). Collection method: clinical testing. Allele origin: germline.
Comment: This sequence change replaces tyrosine with cysteine at codon 369 of the DCLRE1C protein (p.Tyr369Cys). The tyrosine residue is moderately conserved and there is a large physicochemical difference between tyrosine and cysteine. This variant is not present in population databases (ExAC no frequency). This variant has not been reported in the literature in individuals affected with DCLRE1C-related conditions. Algorithms developed to predict the effect of missense changes on protein structure and function are either unavailable or do not agree on the potential impact of this missense change (SIFT: "Tolerated"; PolyPhen-2: "Probably Damaging"; Align-GVGD: "Class C0"). In summary, the available evidence is currently insufficient to determine the role of this variant in disease. Therefore, it has been classified as a Variant of Uncertain Significance.